The following is an entry in ClinVar:

NM_001135146.2(SLC39A8):c.1253T>C (p.Met418Thr)

Gene: SLC39A8 (solute carrier family 39 member 8; minus strand). Cytogenetic location: 4q24.
Variant type: single nucleotide variant.
Coding change: c.1253T>C on transcript NM_001135146.2 (MANE Select); coding-DNA position 1253, T replaced by C.
Protein change: p.Met418Thr; replaces methionine 418 with threonine.
Molecular consequence: missense variant.
Genome position (GRCh38, 1-based): chr4:102,263,174, A>G on the plus strand (T>C on the coding strand, the complement: SLC39A8 is on the minus strand). VCF-style: chr4-102263174-A-G. GRCh37 (hg19) VCF-style: chr4-103184331-A-G.
Other names: c.1253T>C, p.Met418Thr (NM_001135147.1, NM_022154.5); c.1052T>C, p.Met351Thr (NM_001135148.2); short protein forms M351T, M418T.
Identifiers: ClinVar variation 1918531 (VCV001918531.2), dbSNP rs541567897, ClinGen allele CA3025476.
Genomic context (GRCh38, chr4:102,263,174, plus strand): 5'-GCATTCTGAATCATGAAGAAGGTGAAATCGGTTTTTCTTCCAGTTACCTTTTCTCTCAGC[A>G]TATCATTCATCTCTGGAAACTAGAAGACAGATATATTGTTAGATAACTGTTGCCATCTTG-3'
Protein context (NP_001128618.1, residues 408-428): LADMFPEMND[Met418Thr]LREKVTGRKT

ClinVar aggregate classification (germline): Uncertain significance (1 of 4 stars; one submission).

Allele frequency attached by ClinVar (database versions not stated): ExAC 0.00002; gnomAD 0.00002; gnomAD exomes 0.00002; TOPMed 0.00002.
gnomAD v4.1: 34 of 1,613,396 alleles (0.0021%); highest among the groups gnomAD compares: Middle Eastern, 0.049%; no homozygotes.

Submission:

Labcorp Genetics (formerly Invitae), Labcorp
Classification: Uncertain significance. Last evaluated: 2022-08-17. Review status: criteria provided, single submitter. Criteria: Invitae Variant Classification Sherloc (09022015). Collection method: clinical testing. Allele origin: germline.
Comment: This sequence change replaces methionine, which is neutral and non-polar, with threonine, which is neutral and polar, at codon 418 of the SLC39A8 protein (p.Met418Thr). This variant is present in population databases (rs541567897, gnomAD 0.006%). This variant has not been reported in the literature in individuals affected with SLC39A8-related conditions. Algorithms developed to predict the effect of missense changes on protein structure and function are either unavailable or do not agree on the potential impact of this missense change (SIFT: "Tolerated"; PolyPhen-2: "Possibly Damaging"; Align-GVGD: "Class C0"). In summary, the available evidence is currently insufficient to determine the role of this variant in disease. Therefore, it has been classified as a Variant of Uncertain Significance.